The following is an entry in ClinVar:

ClinVar aggregate classification (germline): Likely benign. Review status: criteria provided, multiple submitters, no conflicts (2 of 4 stars). 2 submissions from 2 submitters: Likely benign (2). Last evaluated 2025-10-30.

Conditions:
Tuberous sclerosis 1 (TSC1). Identifiers: Orphanet 805, MedGen C1854465, MONDO:0008612, OMIM 191100.

Submissions (2):

Labcorp Genetics (formerly Invitae), Labcorp
Classification: Likely benign for Tuberous sclerosis 1. Last evaluated: 2025-10-30. Review status: criteria provided, single submitter. Criteria: Invitae Variant Classification Sherloc (09022015). Collection method: clinical testing. Allele origin: germline.

Myriad Genetics, Inc.
Classification: Likely benign for Tuberous sclerosis 1. Last evaluated: 2025-04-09. Review status: criteria provided, single submitter. Criteria: Myriad Autosomal Dominant, Autosomal Recessive and X-Linked Classification Criteria (2023). Collection method: clinical testing. Allele origin: unknown.
Comment: This variant is considered likely benign. This variant is intronic and is not expected to impact mRNA splicing.

NM_000368.5(TSC1):c.1029+8G>A

Gene: TSC1 (TSC complex subunit 1; minus strand). Cytogenetic location: 9q34.13.
Variant type: single nucleotide variant.
Coding change: c.1029+8G>A on transcript NM_000368.5 (MANE Select); 8 bases into the intron after coding-DNA position 1029, G replaced by A.
Molecular consequence: intron variant.
Genome position (GRCh38, 1-based): chr9:132,911,445, C>T on the plus strand (G>A on the coding strand, the complement: TSC1 is on the minus strand). VCF-style: chr9-132911445-C-T. GRCh37 (hg19) VCF-style: chr9-135786832-C-T.
Other names: c.666+8G>A (NM_001362177.2); c.876+8G>A (NM_001162427.2); c.1029+8G>A (NM_001162426.2).
Identifiers: ClinVar variation 534519 (VCV000534519.11), dbSNP rs1036865129, ClinGen allele CA200894363.